The following is an entry in ClinVar:

NM_001374353.1(GLI2):c.451G>A (p.Ala151Thr)

Gene: GLI2 (GLI family zinc finger 2; plus strand). Cytogenetic location: 2q14.2.
Variant type: single nucleotide variant.
Coding change: c.451G>A on transcript NM_001374353.1 (MANE Select); coding-DNA position 451, G replaced by A.
Protein change: p.Ala151Thr; replaces alanine 151 with threonine.
Molecular consequence: missense variant.
Genome position (GRCh38, 1-based): chr2:120,951,439, G>A. VCF-style: chr2-120951439-G-A. GRCh37 (hg19) VCF-style: chr2-121709015-G-A.
Other names: c.451G>A, p.Ala151Thr (NM_001371271.1, NM_005270.5); c.76G>A, p.Ala26Thr (NM_001374354.1); short protein forms A151T, A26T.
Identifiers: ClinVar variation 593004 (VCV000593004.8), dbSNP rs781771721, ClinGen allele CA1851528.

ClinVar aggregate classification (germline): Uncertain significance. Review status: criteria provided, multiple submitters, no conflicts (2 of 4 stars). 2 submissions from 2 submitters: Uncertain significance (2). Last evaluated 2022-12-29.

Conditions:
Postaxial polydactyly-anterior pituitary anomalies-facial dysmorphism syndrome. Also called: Culler-Jones syndrome. Identifiers: Orphanet 420584, MedGen C4014479, MONDO:0014369, OMIM 615849.
Holoprosencephaly 9 (HPE9). Also called: HOLOPROSENCEPHALY WITH MICROPHTHALMIA AND FIRST BRANCHIAL ARCH ANOMALIES; PITUITARY ANOMALIES WITH HOLOPROSENCEPHALY-LIKE FEATURES. Identifiers: Orphanet 2162, MedGen C1835819, MONDO:0012563, OMIM 610829.

Allele frequency attached by ClinVar (database versions not stated): gnomAD 0.00002; TOPMed 0.00002; ExAC 0.00003.
gnomAD v4.1: 20 of 1,606,276 alleles (0.0012%); highest among the groups gnomAD compares: African/African-American, 0.004%; no homozygotes.

Submissions (2):

Labcorp Genetics (formerly Invitae), Labcorp
Classification: Uncertain significance for Postaxial polydactyly-anterior pituitary anomalies-facial dysmorphism syndrome; Holoprosencephaly 9. Last evaluated: 2022-12-29. Review status: criteria provided, single submitter. Criteria: Invitae Variant Classification Sherloc (09022015). Collection method: clinical testing. Allele origin: germline.
Comment: Algorithms developed to predict the effect of missense changes on protein structure and function output the following: SIFT: "Deleterious"; PolyPhen-2: "Benign"; Align-GVGD: "Class C55". The threonine amino acid residue is found in multiple mammalian species, which suggests that this missense change does not adversely affect protein function. In summary, the available evidence is currently insufficient to determine the role of this variant in disease. Therefore, it has been classified as a Variant of Uncertain Significance. ClinVar contains an entry for this variant (Variation ID: 593004). This variant has not been reported in the literature in individuals affected with GLI2-related conditions. This variant is present in population databases (rs781771721, gnomAD 0.007%). This sequence change replaces alanine, which is neutral and non-polar, with threonine, which is neutral and polar, at codon 151 of the GLI2 protein (p.Ala151Thr).

Eurofins Ntd Llc (ga)
Classification: Uncertain significance. Last evaluated: 2017-07-11. Review status: criteria provided, single submitter. Criteria: EGL Classification Definitions 2015. Collection method: clinical testing. Allele origin: germline. Observed: 1 variant allele, 1 heterozygote.